The following is an entry in ClinVar:

ClinVar aggregate classification (germline): Benign/Likely benign. Review status: criteria provided, multiple submitters, no conflicts (2 of 4 stars). 4 submissions from 4 submitters: Benign (2); Likely benign (1). 1 of the submissions does not count toward it. Last evaluated 2026-02-02.

Conditions:
CARMIL2-related disorder. Also called: CARMIL2-related condition.

Allele frequency attached by ClinVar (database versions not stated): TOPMed 0.00445; ESP Exome Variant Server 0.00475; ExAC 0.00489; gnomAD exomes 0.00515; gnomAD 0.00549 and 0.00572; 1000 Genomes Project 30x 0.00078; 1000 Genomes Project 0.00100.
gnomAD v4.1: 11,078 of 1,613,506 alleles (0.69%); highest among the groups gnomAD compares: Non-Finnish European, 0.81%; 50 homozygotes.

Submissions (4):

Labcorp Genetics (formerly Invitae), Labcorp
Classification: Benign. Last evaluated: 2026-02-02. Review status: criteria provided, single submitter. Criteria: Invitae Variant Classification Sherloc (09022015). Collection method: clinical testing. Allele origin: germline.

CeGaT Center for Human Genetics Tuebingen
Classification: Likely benign. Last evaluated: 2025-02-01. Review status: criteria provided, single submitter. Criteria: CeGaT Center For Human Genetics Tuebingen Variant Classification Criteria Version 2. Collection method: clinical testing. Allele origin: germline. Affected: yes. Observed: 10 variant alleles.
Comment: CARMIL2: BS2

Mayo Clinic Laboratories, Mayo Clinic
Classification: Benign. Last evaluated: 2023-12-08. Review status: criteria provided, single submitter. Criteria: ACMG Guidelines, 2015. Collection method: clinical testing. Allele origin: germline. Observed: 3 variant alleles.
Comment: BS1, BS2, BP4

PreventionGenetics, part of Exact Sciences
Classification: Likely benign for CARMIL2-related condition. Last evaluated: 2020-02-24. Review status: no assertion criteria provided. Collection method: clinical testing. Allele origin: germline. Not counted in ClinVar's aggregate classification.
Comment: This variant is classified as likely benign based on ACMG/AMP sequence variant interpretation guidelines (Richards et al. 2015 PMID: 25741868, with internal and published modifications).

NM_001013838.3(CARMIL2):c.2597G>A (p.Arg866Gln)

Gene: CARMIL2 (capping protein regulator and myosin 1 linker 2; plus strand). Cytogenetic location: 16q22.1.
Variant type: single nucleotide variant.
Coding change: c.2597G>A on transcript NM_001013838.3 (MANE Select); coding-DNA position 2597, G replaced by A.
Protein change: p.Arg866Gln; replaces arginine 866 with glutamine.
Molecular consequence: missense variant.
Genome position (GRCh38, 1-based): chr16:67,651,929, G>A. VCF-style: chr16-67651929-G-A. GRCh37 (hg19) VCF-style: chr16-67685832-G-A.
Other names: p.Arg866Gln; c.2597G>A (NM_001013838.1); c.2489G>A, p.Arg830Gln (NM_001317026.3); short protein forms R830Q, R866Q.
Identifiers: ClinVar variation 1169580 (VCV001169580.41), dbSNP rs140263068, ClinGen allele CA8113836.